The following is an entry in ClinVar:

ClinVar aggregate classification (germline): Uncertain significance (1 of 4 stars; one submission).

Conditions:
Familial sleep-related hypermotor epilepsy. Also called: Autosomal Dominant Sleep-Related Hypermotor (Hyperkinetic) Epilepsy. Identifiers: Orphanet 98784, MedGen C3696898, MONDO:0000030.

Allele frequency attached by ClinVar (database versions not stated): TOPMed below 0.00001.

Submission:

Labcorp Genetics (formerly Invitae), Labcorp
Classification: Uncertain significance. Last evaluated: 2020-08-02. Review status: criteria provided, single submitter. Criteria: Invitae Variant Classification Sherloc (09022015). Collection method: clinical testing. Allele origin: germline.
Comment: In summary, the available evidence is currently insufficient to determine the role of this variant in disease. Therefore, it has been classified as a Variant of Uncertain Significance. Algorithms developed to predict the effect of sequence changes on RNA splicing suggest that this variant may disrupt the consensus splice site, but this prediction has not been confirmed by published transcriptional studies. This variant has not been reported in the literature in individuals with CHRNA2-related conditions. This variant is not present in population databases (ExAC no frequency). This sequence change falls in intron 3 of the CHRNA2 gene. It does not directly change the encoded amino acid sequence of the CHRNA2 protein.

NM_000742.4(CHRNA2):c.295-7G>A

Gene: CHRNA2 (cholinergic receptor nicotinic alpha 2 subunit; minus strand). Cytogenetic location: 8p21.2.
Variant type: single nucleotide variant.
Coding change: c.295-7G>A on transcript NM_000742.4 (MANE Select); 7 bases into the intron before coding-DNA position 295, G replaced by A.
Molecular consequence: intron variant.
Genome position (GRCh38, 1-based): chr8:27,469,386, C>T on the plus strand (G>A on the coding strand, the complement: CHRNA2 is on the minus strand). VCF-style: chr8-27469386-C-T. GRCh37 (hg19) VCF-style: chr8-27326903-C-T.
Other names: c.-178-7G>A (NM_001347705.2, NM_001347706.2); c.250-7G>A (NM_001282455.2); c.-167-7G>A (NM_001347708.2); c.-164-7G>A (NM_001347707.2).
Identifiers: ClinVar variation 1016872 (VCV001016872.5), dbSNP rs1812797993, ClinGen allele CA1772822707.